The following is an entry in ClinVar:

NM_001082486.2(ACD):c.843A>T (p.Leu281Phe)

Gene: ACD (ACD shelterin complex subunit and telomerase recruitment factor; minus strand). Cytogenetic location: 16q22.1.
Variant type: single nucleotide variant.
Coding change: c.843A>T on transcript NM_001082486.2 (MANE Select); coding-DNA position 843, A replaced by T.
Protein change: p.Leu281Phe; replaces leucine 281 with phenylalanine.
Molecular consequence: missense variant.
Genome position (GRCh38, 1-based): chr16:67,658,349, T>A on the plus strand (A>T on the coding strand, the complement: ACD is on the minus strand). VCF-style: chr16-67658349-T-A. GRCh37 (hg19) VCF-style: chr16-67692252-T-A.
Other names: c.756A>T, p.Leu252Phe (NM_001410884.1); c.834A>T, p.Leu278Phe (NM_022914.3); short protein forms L252F, L278F, L281F.
Identifiers: ClinVar variation 3232630 (VCV003232630.1), dbSNP rs2543599837, ClinGen allele CA396353021.

ClinVar aggregate classification (germline): Uncertain significance (1 of 4 stars; one submission).

Conditions:
Inborn genetic diseases. Identifiers: MedGen C0950123, MeSH D030342.

Submission:

Ambry Genetics
Classification: Uncertain significance for Inborn genetic diseases. Last evaluated: 2023-12-11. Review status: criteria provided, single submitter. Criteria: Ambry Variant Classification Scheme 2023. Collection method: clinical testing. Allele origin: germline.
Comment: The p.L367F variant (also known as c.1101A>T), located in coding exon 10 of the ACD gene, results from an A to T substitution at nucleotide position 1101. The leucine at codon 367 is replaced by phenylalanine, an amino acid with highly similar properties. This amino acid position is conserved. In addition, this alteration is predicted to be tolerated by in silico analysis. Since supporting evidence is limited at this time, the clinical significance of this alteration remains unclear.